The following is an entry in ClinVar:

NM_014363.6(SACS):c.10255C>T (p.Arg3419Cys)

Gene: SACS (sacsin molecular chaperone; minus strand). Cytogenetic location: 13q12.12.
Variant type: single nucleotide variant.
Coding change: c.10255C>T on transcript NM_014363.6 (MANE Select); coding-DNA position 10255, C replaced by T.
Protein change: p.Arg3419Cys; replaces arginine 3419 with cysteine.
Molecular consequence: missense variant.
Genome position (GRCh38, 1-based): chr13:23,333,621, G>A on the plus strand (C>T on the coding strand, the complement: SACS is on the minus strand). VCF-style: chr13-23333621-G-A. GRCh37 (hg19) VCF-style: chr13-23907760-G-A.
Other names: c.9814C>T, p.Arg3272Cys (NM_001278055.2); short protein forms R3272C, R3419C.
Identifiers: ClinVar variation 1256200 (VCV001256200.10), dbSNP rs765758197, ClinGen allele CA6910479.

ClinVar aggregate classification (germline): Conflicting classifications of pathogenicity. Review status: criteria provided, conflicting classifications (1 of 4 stars). 5 submissions from 5 submitters: Uncertain significance (3); Likely benign (1). 1 of the submissions does not count toward it. Last evaluated 2025-12-16.

Conditions:
Spastic paraplegia. Identifiers: MedGen C0037772, HP:0001258.
Inborn genetic diseases. Identifiers: MedGen C0950123, MeSH D030342.
Charlevoix-Saguenay spastic ataxia (SACS). Also called: AUTOSOMAL RECESSIVE SPASTIC ATAXIA OF CHARLEVOIX-SAGUENAY; SPASTIC ATAXIA 6, AUTOSOMAL RECESSIVE; Spastic ataxia of Charlevoix-Saguenay. Identifiers: Orphanet 98, MedGen C1849140, MONDO:0010041, OMIM 270550.

Allele frequency attached by ClinVar (database versions not stated): ExAC 0.00002; gnomAD exomes 0.00002; gnomAD 0.00003; TOPMed 0.00004.
gnomAD v4.1: 32 of 1,613,524 alleles (0.002%); highest among the groups gnomAD compares: African/African-American, 0.008%; no homozygotes.

Submissions (5):

Labcorp Genetics (formerly Invitae), Labcorp
Classification: Likely benign for Spastic paraplegia. Last evaluated: 2025-12-16. Review status: criteria provided, single submitter. Criteria: Invitae Variant Classification Sherloc (09022015). Collection method: clinical testing. Allele origin: germline.

Ambry Genetics
Classification: Uncertain significance for Inborn genetic diseases. Last evaluated: 2025-06-24. Review status: criteria provided, single submitter. Criteria: Ambry Variant Classification Scheme 2023. Collection method: clinical testing. Allele origin: germline.

Women's Health and Genetics/Laboratory Corporation of America, LabCorp
Classification: Uncertain significance. Last evaluated: 2025-02-12. Review status: criteria provided, single submitter. Criteria: LabCorp Variant Classification Summary - May 2015. Collection method: clinical testing. Allele origin: germline.
Comment: Variant summary: SACS c.10255C>T (p.Arg3419Cys) results in a non-conservative amino acid change in the encoded protein sequence. Five of five in-silico tools predict a damaging effect of the variant on protein function. The variant allele was found at a frequency of 2.4e-05 in 250876 control chromosomes. The available data on variant occurrences in the general population are insufficient to allow any conclusion about variant significance. To our knowledge, no occurrence of c.10255C>T in individuals affected with Charlevoix-Saguenay spastic ataxia and no experimental evidence demonstrating its impact on protein function have been reported. ClinVar contains an entry for this variant (Variation ID: 1256200). Based on the evidence outlined above, the variant was classified as uncertain significance.

Athena Diagnostics
Classification: Uncertain significance. Last evaluated: 2020-11-10. Review status: criteria provided, single submitter. Criteria: Athena Diagnostics criteria. Collection method: clinical testing. Allele origin: unknown.

Natera, Inc.
Classification: Uncertain significance for Charlevoix-Saguenay type spastic ataxia. Last evaluated: 2020-03-07. Review status: no assertion criteria provided. Collection method: clinical testing. Allele origin: germline. Not counted in ClinVar's aggregate classification.